The following is an entry in ClinVar:

ClinVar aggregate classification (germline): Likely benign. Review status: criteria provided, single submitter (1 of 4 stars). 2 submissions from 2 submitters: Likely benign (1). 1 of the submissions does not count toward it. Last evaluated 2023-12-05.

Conditions:
ZFYVE26-related disorder. Also called: ZFYVE26-related condition.
Spastic paraplegia. Identifiers: MedGen C0037772, HP:0001258.

Allele frequency attached by ClinVar (database versions not stated): gnomAD 0.00002; TOPMed 0.00002; ExAC 0.00006; gnomAD exomes 0.00008.
gnomAD v4.1: 39 of 1,613,386 alleles (0.0024%); highest among the groups gnomAD compares: South Asian, 0.02%; no homozygotes.

Submissions (2):

Labcorp Genetics (formerly Invitae), Labcorp
Classification: Likely benign for Spastic paraplegia. Last evaluated: 2023-12-05. Review status: criteria provided, single submitter. Criteria: Invitae Variant Classification Sherloc (09022015). Collection method: clinical testing. Allele origin: germline.

PreventionGenetics, part of Exact Sciences
Classification: Likely benign for ZFYVE26-related condition. Last evaluated: 2019-07-01. Review status: no assertion criteria provided. Collection method: clinical testing. Allele origin: germline. Not counted in ClinVar's aggregate classification.
Comment: This variant is classified as likely benign based on ACMG/AMP sequence variant interpretation guidelines (Richards et al. 2015 PMID: 25741868, with internal and published modifications).

NM_015346.4(ZFYVE26):c.5916C>T (p.Ala1972=)

Gene: ZFYVE26 (zinc finger FYVE-type containing 26; minus strand). Cytogenetic location: 14q24.1.
Variant type: single nucleotide variant.
Coding change: c.5916C>T on transcript NM_015346.4 (MANE Select); coding-DNA position 5916, C replaced by T.
Protein change: p.Ala1972=; no amino-acid change (alanine 1972 retained).
Molecular consequence: synonymous variant.
Genome position (GRCh38, 1-based): chr14:67,766,322, G>A on the plus strand (C>T on the coding strand, the complement: ZFYVE26 is on the minus strand). VCF-style: chr14-67766322-G-A. GRCh37 (hg19) VCF-style: chr14-68233039-G-A.
Identifiers: ClinVar variation 976518 (VCV000976518.13), dbSNP rs369820290, ClinGen allele CA7239361.